The following is an entry in ClinVar:

ClinVar aggregate classification (germline): Uncertain significance (1 of 4 stars; one submission).

Submission:

Labcorp Genetics (formerly Invitae), Labcorp
Classification: Uncertain significance. Last evaluated: 2025-02-04. Review status: criteria provided, single submitter. Criteria: Invitae Variant Classification Sherloc (09022015). Collection method: clinical testing. Allele origin: germline.
Comment: This sequence change replaces valine, which is neutral and non-polar, with methionine, which is neutral and non-polar, at codon 681 of the DUOX2 protein (p.Val681Met). This variant is not present in population databases (gnomAD no frequency). This variant has not been reported in the literature in individuals affected with DUOX2-related conditions. Invitae Evidence Modeling of protein sequence and biophysical properties (such as structural, functional, and spatial information, amino acid conservation, physicochemical variation, residue mobility, and thermodynamic stability) indicates that this missense variant is not expected to disrupt DUOX2 protein function with a negative predictive value of 80%. In summary, the available evidence is currently insufficient to determine the role of this variant in disease. Therefore, it has been classified as a Variant of Uncertain Significance.

NM_001363711.2(DUOX2):c.2041G>A (p.Val681Met)

Gene: DUOX2 (dual oxidase 2; minus strand). Cytogenetic location: 15q21.1.
Variant type: single nucleotide variant.
Coding change: c.2041G>A on transcript NM_001363711.2 (MANE Select); coding-DNA position 2041, G replaced by A.
Protein change: p.Val681Met; replaces valine 681 with methionine.
Molecular consequence: missense variant.
Genome position (GRCh38, 1-based): chr15:45,106,232, C>T on the plus strand (G>A on the coding strand, the complement: DUOX2 is on the minus strand). VCF-style: chr15-45106232-C-T. GRCh37 (hg19) VCF-style: chr15-45398430-C-T.
Other names: c.2041G>A, p.Val681Met (NM_014080.5); short protein forms V681M.
Identifiers: ClinVar variation 4742829 (VCV004742829.1).